The following is an entry in ClinVar:

ClinVar aggregate classification (germline): Uncertain significance (1 of 4 stars; one submission).

Conditions:
Inborn genetic diseases. Identifiers: MedGen C0950123, MeSH D030342.

Submission:

Ambry Genetics
Classification: Uncertain significance for Inborn genetic diseases. Last evaluated: 2021-07-05. Review status: criteria provided, single submitter. Criteria: Ambry Variant Classification Scheme 2023. Collection method: clinical testing. Allele origin: germline.
Comment: The p.G491R variant (also known as c.1471G>A), located in coding exon 11 of the BUB1B gene, results from a G to A substitution at nucleotide position 1471. The glycine at codon 491 is replaced by arginine, an amino acid with dissimilar properties. This amino acid position is conserved. In addition, this alteration is predicted to be tolerated by in silico analysis. Since supporting evidence is limited at this time, the clinical significance of this alteration remains unclear.

NM_001211.6(BUB1B):c.1471G>A (p.Gly491Arg)

Gene: BUB1B (BUB1 mitotic checkpoint serine/threonine kinase B; plus strand). Cytogenetic location: 15q15.1.
Variant type: single nucleotide variant.
Coding change: c.1471G>A on transcript NM_001211.6 (MANE Select); coding-DNA position 1471, G replaced by A.
Protein change: p.Gly491Arg; replaces glycine 491 with arginine.
Molecular consequence: missense variant.
Genome position (GRCh38, 1-based): chr15:40,200,313, G>A. VCF-style: chr15-40200313-G-A. GRCh37 (hg19) VCF-style: chr15-40492514-G-A.
Other names: short protein forms G491R.
Identifiers: ClinVar variation 1773368 (VCV001773368.2), dbSNP rs2542556131, ClinGen allele CA391690003.